The following is an entry in ClinVar:

NM_000092.5(COL4A4):c.2545G>A (p.Gly849Ser)

Gene: COL4A4 (collagen type IV alpha 4 chain; minus strand). Cytogenetic location: 2q36.3.
Variant type: single nucleotide variant.
Coding change: c.2545G>A on transcript NM_000092.5 (MANE Select); coding-DNA position 2545, G replaced by A.
Protein change: p.Gly849Ser; replaces glycine 849 with serine.
Molecular consequence: missense variant.
Genome position (GRCh38, 1-based): chr2:227,057,439, C>T on the plus strand (G>A on the coding strand, the complement: COL4A4 is on the minus strand). VCF-style: chr2-227057439-C-T. GRCh37 (hg19) VCF-style: chr2-227922155-C-T.
Other names: short protein forms G849S.
Identifiers: ClinVar variation 3377044 (VCV003377044.1).

ClinVar aggregate classification (germline): Likely pathogenic (1 of 4 stars; one submission).

Conditions:
Alport syndrome. Also called: Hemorrhagic familial nephritis; Hemorrhagic hereditary nephritis; Congenital hereditary hematuria. Identifiers: Orphanet 63, MedGen C1567741, MONDO:0018965.

Submission:

Victorian Clinical Genetics Services, Murdoch Childrens Research Institute
Classification: Likely pathogenic for Alport syndrome. Last evaluated: 2024-10-09. Review status: criteria provided, single submitter. Criteria: ACMG Guidelines, 2015. Collection method: clinical testing. Allele origin: germline. Affected: yes.
Comment: Based on the classification scheme VCGS_Germline_v1.3.4, this variant is classified as Likely Pathogenic. Following criteria are met: 0103 - Loss of function is a known mechanism of disease for this gene and is associated with Alport syndrome (MONDO:0018965), COL4A4-related. Dominant negative is a suspected mechanism of disease for this gene as it is a structural protein (PMID: 12028435, 24046192). (I) 0108 - This gene is associated with both recessive and dominant disease. Alport syndrome typically has biallelic inheritance, although rare cases of monoallelic inheritance have been reported (PMID: 28704582). Thin basement membrane nephropathy (TBMN) and focal segmental glomerulosclerosis (FSGS) are associated with autosomal dominant inheritance (OMIM, PMID: 16467446, 17942953). (I) 0200 - Variant is predicted to result in a missense amino acid change from glycine to serine. (I) 0251 - This variant is heterozygous. (I) 0301 - Variant is absent from gnomAD (both v2 and v3). (SP) 0501 - Missense variant consistently predicted to be damaging by multiple in silico tools or highly conserved with a major amino acid change. (SP) 0601 - Variant is located in the well-established functional Gly-X-Y motif (DECIPHER). (SP) 0705 - No comparable missense variants have previous evidence for pathogenicity. (I) 0807 - This variant has no previous evidence of pathogenicity. (I) 0905 - No published segregation evidence has been identified for this variant. (I) 1007 - No published functional evidence has been identified for this variant. (I) 1208 - Inheritance information for this variant is not currently available in this individual. (I) Legend: (SP) - Supporting pathogenic, (I) - Information, (SB) - Supporting benign

Literature cited by the submitters: PubMed 12028435; PubMed 16467446; PubMed 17942953; PubMed 24046192; PubMed 28704582.